The following is an entry in ClinVar:

ClinVar aggregate classification (germline): Uncertain significance. Review status: criteria provided, multiple submitters, no conflicts (2 of 4 stars). 3 submissions from 3 submitters: Uncertain significance (2). 1 of the submissions does not count toward it. Last evaluated 2026-01-07.

Conditions:
JAK1-related disorder. Also called: JAK1-related condition.

Allele frequency attached by ClinVar (database versions not stated): gnomAD 0.00004 and 0.00006; gnomAD exomes 0.00004; ExAC 0.00006; TOPMed 0.00006; ESP Exome Variant Server 0.00008.
gnomAD v4.1: 78 of 1,614,180 alleles (0.0048%); highest among the groups gnomAD compares: Middle Eastern, 0.033%; no homozygotes.

Submissions (3):

Labcorp Genetics (formerly Invitae), Labcorp
Classification: Uncertain significance. Last evaluated: 2026-01-07. Review status: criteria provided, single submitter. Criteria: Invitae Variant Classification Sherloc (09022015). Collection method: clinical testing. Allele origin: germline.
Comment: This sequence change replaces glycine, which is neutral and non-polar, with serine, which is neutral and polar, at codon 307 of the JAK1 protein (p.Gly307Ser). This variant is present in population databases (rs373142876, gnomAD 0.01%). This variant has not been reported in the literature in individuals affected with JAK1-related conditions. ClinVar contains an entry for this variant (Variation ID: 1443638). Invitae Evidence Modeling of protein sequence and biophysical properties (such as structural, functional, and spatial information, amino acid conservation, physicochemical variation, residue mobility, and thermodynamic stability) indicates that this missense variant is not expected to disrupt JAK1 protein function with a negative predictive value of 80%. In summary, the available evidence is currently insufficient to determine the role of this variant in disease. Therefore, it has been classified as a Variant of Uncertain Significance.

Breakthrough Genomics
Classification: Uncertain significance. Review status: criteria provided, single submitter. Criteria: ACMG Guidelines, 2015. Collection method: not provided. Allele origin: germline. Inheritance: Autosomal dominant inheritance. Affected: yes.

PreventionGenetics, part of Exact Sciences
Classification: Uncertain significance for JAK1-related condition. Last evaluated: 2024-06-28. Review status: no assertion criteria provided. Collection method: clinical testing. Allele origin: germline. Not counted in ClinVar's aggregate classification.
Comment: The JAK1 c.919G>A variant is predicted to result in the amino acid substitution p.Gly307Ser. To our knowledge, this variant has not been reported in the literature. This variant is reported in 0.0098% of alleles in individuals of South Asian descent in gnomAD. At this time, the clinical significance of this variant is uncertain due to the absence of conclusive functional and genetic evidence.

NM_002227.4(JAK1):c.919G>A (p.Gly307Ser)

Gene: JAK1 (Janus kinase 1; minus strand). Cytogenetic location: 1p31.3.
Variant type: single nucleotide variant.
Coding change: c.919G>A on transcript NM_002227.4 (MANE Select); coding-DNA position 919, G replaced by A.
Protein change: p.Gly307Ser; replaces glycine 307 with serine.
Molecular consequence: missense variant.
Genome position (GRCh38, 1-based): chr1:64,866,937, C>T on the plus strand (G>A on the coding strand, the complement: JAK1 is on the minus strand). VCF-style: chr1-64866937-C-T. GRCh37 (hg19) VCF-style: chr1-65332620-C-T.
Other names: c.919G>A, p.Gly307Ser (NM_001320923.2, NM_001321852.2, NM_001321853.2 and 4 more transcripts); c.919G>A (NM_002227.3); short protein forms G307S.
Identifiers: ClinVar variation 1443638 (VCV001443638.8), dbSNP rs373142876, ClinGen allele CA893073.